The following is an entry in ClinVar:

ClinVar aggregate classification (germline): Benign/Likely benign. Review status: criteria provided, multiple submitters, no conflicts (2 of 4 stars). 6 submissions from 6 submitters: Benign (5); Likely benign (1). Last evaluated 2025-07-21.

Conditions:
Pancytopenia due to IKZF1 mutations. Also called: Immunodeficiency, common variable, 13. Identifiers: Orphanet 317473, MedGen C4225173, MONDO:0014810, OMIM 616873.

Allele frequency attached by ClinVar (database versions not stated): 1000 Genomes Project 0.29213; 1000 Genomes Project 30x 0.29575; gnomAD 0.31774 and 0.31961; TOPMed 0.32662; gnomAD exomes 0.35056; ExAC 0.36071.

Submissions (6):

ARUP Laboratories, Molecular Genetics and Genomics, ARUP Laboratories
Classification: Benign for Pancytopenia due to IKZF1 mutations. Last evaluated: 2025-07-21. Review status: criteria provided, single submitter. Criteria: ARUP Molecular Germline Variant Investigation Process 2024. Collection method: clinical testing. Allele origin: germline.

Blueprint Genetics
Classification: Likely benign. Last evaluated: 2024-11-27. Review status: criteria provided, single submitter. Criteria: ACMG Guidelines, 2015. Collection method: clinical testing. Allele origin: germline.

Unidad de Genómica Garrahan, Hospital de Pediatría Garrahan
Classification: Benign. Last evaluated: 2023-11-12. Review status: criteria provided, single submitter. Criteria: ACMG Guidelines, 2015. Collection method: clinical testing. Allele origin: germline. Affected: no. Observed: 57 variant alleles.
Comment: This variant is classified as Benign based on local population frequency. This variant was detected in 59% of patients studied by a panel of primary immunodeficiencies. Number of patients: 57. Only high quality variants are reported.

Mayo Clinic Laboratories, Mayo Clinic
Classification: Benign. Last evaluated: 2023-01-06. Review status: criteria provided, single submitter. Criteria: ACMG Guidelines, 2015. Collection method: clinical testing. Allele origin: germline. Observed: 110 variant alleles.

GeneDx
Classification: Benign. Last evaluated: 2021-02-16. Review status: criteria provided, single submitter. Criteria: GeneDx Variant Classification Process June 2021. Collection method: clinical testing. Allele origin: germline. Affected: yes.

Breakthrough Genomics
Classification: Benign. Review status: criteria provided, single submitter. Criteria: ACMG Guidelines, 2015. Collection method: not provided. Allele origin: germline. Inheritance: Autosomal dominant inheritance. Affected: yes.

NM_006060.6(IKZF1):c.161-8454T>G

Gene: IKZF1 (IKAROS family zinc finger 1; plus strand). Cytogenetic location: 7p12.2.
Variant type: single nucleotide variant.
Coding change: c.161-8454T>G on transcript NM_006060.6 (MANE Select); 8454 bases into the intron before coding-DNA position 161, T replaced by G.
Molecular consequence: intron variant. On other transcripts: synonymous variant (1).
Genome position (GRCh38, 1-based): chr7:50,368,079, T>G. VCF-style: chr7-50368079-T-G. GRCh37 (hg19) VCF-style: chr7-50435777-T-G.
Other names: p.?; c.234T>G, p.Pro78= (NM_001291845.2); c.161-14461T>G (NM_001291839.2, NM_001291838.2, NM_001220767.2 and 1 more transcripts); c.161-8454T>G (NM_001220765.3, NM_001291837.2, NM_001220768.2 and 1 more transcripts); c.220+14T>G (NM_001291846.2, NM_001291847.2); c.161-19266T>G (NM_001291841.1, NM_001291842.1); c.161-23650T>G (NM_001291843.1, NM_001291844.1); c.161-31839T>G (NM_001291840.1).
Identifiers: ClinVar variation 1280525 (VCV001280525.8), dbSNP rs12669559, ClinGen allele CA4261227.